The following is an entry in ClinVar:

ClinVar aggregate classification (germline): Benign/Likely benign. Review status: criteria provided, multiple submitters, no conflicts (2 of 4 stars). 6 submissions from 6 submitters: Benign (3); Likely benign (3). Last evaluated 2026-03-01.

Conditions:
Genitopatellar syndrome (GTPTS). Also called: Genitopatellar syndrome (GPS); ABSENT PATELLAE, SCROTAL HYPOPLASIA, RENAL ANOMALIES, FACIAL DYSMORPHISM, AND MENTAL RETARDATION. Identifiers: Orphanet 85201, MedGen C1853566, MONDO:0011640, OMIM 606170.
Blepharophimosis - intellectual disability syndrome, SBBYS type (SBBYSS). Also called: SBBYSS syndrome; Ohdo syndrome, SBBYS variant; Say-Barber-Biesecker-Young-Simpson variant of Ohdo Syndrome; Say-Barber-Biesecker Variant of Ohdo Syndrome; Say-Barber-Biesecker-Young-Simpson syndrome; Say-Barber-Biesecker variant of Ohdo syndrome (SBBYSS). Identifiers: Orphanet 3047, MedGen C1863557, MONDO:0011365, OMIM 603736.

Allele frequency attached by ClinVar (database versions not stated): gnomAD exomes 0.00106; ExAC 0.00129; gnomAD 0.00389 and 0.00421; 1000 Genomes Project 0.00399; ESP Exome Variant Server 0.00415; TOPMed 0.00420; 1000 Genomes Project 30x 0.00500.
gnomAD v4.1: 1,158 of 1,614,126 alleles (0.072%); highest among the groups gnomAD compares: African/African-American, 1.3%; 5 homozygotes.

Submissions (6):

CeGaT Center for Human Genetics Tuebingen
Classification: Likely benign. Last evaluated: 2026-03-01. Review status: criteria provided, single submitter. Criteria: CeGaT Center For Human Genetics Tuebingen Variant Classification Criteria Version 2. Collection method: clinical testing. Allele origin: germline. Affected: yes. Observed: 2 variant alleles.
Comment: KAT6B: BP4, BP7, BS1

Labcorp Genetics (formerly Invitae), Labcorp
Classification: Benign for Genitopatellar syndrome. Last evaluated: 2026-02-03. Review status: criteria provided, single submitter. Criteria: Invitae Variant Classification Sherloc (09022015). Collection method: clinical testing. Allele origin: germline.

Blueprint Genetics
Classification: Likely benign. Last evaluated: 2024-11-25. Review status: criteria provided, single submitter. Criteria: ACMG Guidelines, 2015. Collection method: clinical testing. Allele origin: germline.

Fulgent Genetics
Classification: Likely benign for Blepharophimosis - intellectual disability syndrome, SBBYS type; Genitopatellar syndrome. Last evaluated: 2021-10-01. Review status: criteria provided, single submitter. Criteria: ACMG Guidelines, 2015. Collection method: clinical testing. Allele origin: unknown.

GeneDx
Classification: Benign. Last evaluated: 2017-03-03. Review status: criteria provided, single submitter. Criteria: GeneDx Variant Classification (06012015). Collection method: clinical testing. Allele origin: germline. Affected: yes.
Comment: This variant is considered likely benign or benign based on one or more of the following criteria: it is a conservative change, it occurs at a poorly conserved position in the protein, it is predicted to be benign by multiple in silico algorithms, and/or has population frequency not consistent with disease.

Breakthrough Genomics
Classification: Benign. Review status: criteria provided, single submitter. Criteria: ACMG Guidelines, 2015. Collection method: not provided. Allele origin: germline. Inheritance: Autosomal dominant inheritance. Affected: yes.

NM_012330.4(KAT6B):c.4407G>A (p.Ser1469=)

Gene: KAT6B (lysine acetyltransferase 6B; plus strand). Cytogenetic location: 10q22.2.
Variant type: single nucleotide variant.
Coding change: c.4407G>A on transcript NM_012330.4 (MANE Select); coding-DNA position 4407, G replaced by A.
Protein change: p.Ser1469=; no amino-acid change (serine 1469 retained).
Molecular consequence: synonymous variant.
Genome position (GRCh38, 1-based): chr10:75,029,231, G>A. VCF-style: chr10-75029231-G-A. GRCh37 (hg19) VCF-style: chr10-76788989-G-A.
Other names: c.3858G>A, p.Ser1286= (NM_001256468.2, NM_001370138.1); c.3531G>A, p.Ser1177= (NM_001256469.2, NM_001370139.1, NM_001370140.1 and 2 more transcripts); c.3369G>A, p.Ser1123= (NM_001370132.1); c.2718G>A, p.Ser906= (NM_001370133.1); c.2322G>A, p.Ser774= (NM_001370134.1); c.2064G>A, p.Ser688= (NM_001370135.1); c.4407G>A, p.Ser1469= (NM_001370136.1, NM_001370137.1); c.3342G>A, p.Ser1114= (NM_001370143.1, NM_001370144.1).
Identifiers: ClinVar variation 300890 (VCV000300890.19), dbSNP rs114126792, ClinGen allele CA5565028.